The following is an entry in ClinVar:

ClinVar aggregate classification (germline): Uncertain significance (1 of 4 stars; one submission).

Conditions:
Short-rib thoracic dysplasia 10 with or without polydactyly (SRTD10). Identifiers: Orphanet 474, MedGen C3810175, MONDO:0014284, OMIM 615630.
Retinitis pigmentosa 71 (RP71). Identifiers: Orphanet 791, MedGen C4225342, MONDO:0014618, OMIM 616394.

Submission:

Labcorp Genetics (formerly Invitae), Labcorp
Classification: Uncertain significance for Retinitis pigmentosa 71; Short-rib thoracic dysplasia 10 with or without polydactyly. Last evaluated: 2021-11-27. Review status: criteria provided, single submitter. Criteria: Invitae Variant Classification Sherloc (09022015). Collection method: clinical testing. Allele origin: germline.
Comment: This variant is not present in population databases (gnomAD no frequency). This variant has not been reported in the literature in individuals affected with IFT172-related conditions. In summary, the available evidence is currently insufficient to determine the role of this variant in disease. Therefore, it has been classified as a Variant of Uncertain Significance. Algorithms developed to predict the effect of missense changes on protein structure and function are either unavailable or do not agree on the potential impact of this missense change (SIFT: "Deleterious"; PolyPhen-2: "Benign"; Align-GVGD: "Class C0"). This sequence change replaces histidine, which is basic and polar, with arginine, which is basic and polar, at codon 1024 of the IFT172 protein (p.His1024Arg).

NM_015662.3(IFT172):c.3071A>G (p.His1024Arg)

Gene: IFT172 (intraflagellar transport 172; minus strand). Cytogenetic location: 2p23.3.
Variant type: single nucleotide variant.
Coding change: c.3071A>G on transcript NM_015662.3 (MANE Select); coding-DNA position 3071, A replaced by G.
Protein change: p.His1024Arg; replaces histidine 1024 with arginine.
Molecular consequence: missense variant.
Genome position (GRCh38, 1-based): chr2:27,457,881, T>C on the plus strand (A>G on the coding strand, the complement: IFT172 is on the minus strand). VCF-style: chr2-27457881-T-C. GRCh37 (hg19) VCF-style: chr2-27680748-T-C.
Other names: short protein forms H1024R.
Identifiers: ClinVar variation 1395376 (VCV001395376.6), dbSNP rs2148497488, ClinGen allele CA346380509.
Genomic context (GRCh38, chr2:27,457,881, plus strand): 5'-GAGCCAGGAGAAGGGCTCACCTTGCCCAGATGTAGGTGTGTATCACTGAGGAGATCTGGA[T>C]GGTGCTTCCCTACCAGGCGGATCATGTCATCATACAACTTGTGCTTTTTGTACATGGTGA-3'
Protein context (NP_056477.1, residues 1014-1034): DDMIRLVGKH[His1024Arg]PDLLSDTHLH